The following is an entry in ClinVar:

NM_003661.4(APOL1):c.588G>A (p.Leu196=)

Gene: APOL1 (apolipoprotein L1; plus strand). Cytogenetic location: 22q12.3.
Variant type: single nucleotide variant.
Coding change: c.588G>A on transcript NM_003661.4 (MANE Select); coding-DNA position 588, G replaced by A.
Protein change: p.Leu196=; no amino-acid change (leucine 196 retained).
Molecular consequence: synonymous variant.
Genome position (GRCh38, 1-based): chr22:36,265,424, G>A. VCF-style: chr22-36265424-G-A. GRCh37 (hg19) VCF-style: chr22-36661470-G-A.
Other names: c.588G>A, p.Leu196= (NM_001136540.2); c.534G>A, p.Leu178= (NM_001136541.2, NM_001362927.2); c.636G>A, p.Leu212= (NM_145343.3).
Identifiers: ClinVar variation 4535125 (VCV004535125.6).

ClinVar aggregate classification (germline): Likely benign (1 of 4 stars; one submission).

gnomAD v4.1: 1 of 1,614,124 alleles (0.000062%); highest among the groups gnomAD compares: Non-Finnish European, 0.000085%; no homozygotes.

Submission:

CeGaT Center for Human Genetics Tuebingen
Classification: Likely benign. Last evaluated: 2025-10-01. Review status: criteria provided, single submitter. Criteria: CeGaT Center For Human Genetics Tuebingen Variant Classification Criteria Version 2. Collection method: clinical testing. Allele origin: germline. Affected: yes. Observed: 1 variant allele.
Comment: APOL1: BP4, BP7